The following is an entry in ClinVar:

ClinVar aggregate classification (germline): Likely benign. Review status: criteria provided, multiple submitters, no conflicts (2 of 4 stars). 6 submissions from 6 submitters: Likely benign (6). Last evaluated 2025-10-26.

Conditions:
Noonan syndrome 9 (NS9). Identifiers: Orphanet 648, MedGen C4225282, MONDO:0014691, OMIM 616559.
Cardiovascular phenotype. Identifiers: MedGen CN230736.

Allele frequency attached by ClinVar (database versions not stated): gnomAD 0.00001 and 0.00002; gnomAD exomes 0.00002 and 0.00009; ExAC 0.00003; TOPMed 0.00005.
gnomAD v4.1: 134 of 1,613,862 alleles (0.0083%); highest among the groups gnomAD compares: Non-Finnish European, 0.011%; no homozygotes.

Submissions (6):

Labcorp Genetics (formerly Invitae), Labcorp
Classification: Likely benign for Noonan syndrome 9. Last evaluated: 2025-10-26. Review status: criteria provided, single submitter. Criteria: Invitae Variant Classification Sherloc (09022015). Collection method: clinical testing. Allele origin: germline.

Blueprint Genetics
Classification: Likely benign. Last evaluated: 2024-05-24. Review status: criteria provided, single submitter. Criteria: ACMG Guidelines, 2015. Collection method: clinical testing. Allele origin: germline.

CeGaT Center for Human Genetics Tuebingen
Classification: Likely benign. Last evaluated: 2023-12-01. Review status: criteria provided, single submitter. Criteria: CeGaT Center For Human Genetics Tuebingen Variant Classification Criteria Version 2. Collection method: clinical testing. Allele origin: germline. Affected: yes. Observed: 1 variant allele.
Comment: SOS2: BP4, BP7

Ambry Genetics
Classification: Likely benign for Cardiovascular phenotype. Last evaluated: 2023-09-06. Review status: criteria provided, single submitter. Criteria: Ambry Variant Classification Scheme 2023. Collection method: clinical testing. Allele origin: germline.

Women's Health and Genetics/Laboratory Corporation of America, LabCorp
Classification: Likely benign. Last evaluated: 2021-07-03. Review status: criteria provided, single submitter. Criteria: LabCorp Variant Classification Summary - May 2015. Collection method: clinical testing. Allele origin: germline.

Genome-Nilou Lab
Classification: Likely benign for Noonan syndrome 9. Review status: criteria provided, single submitter. Criteria: ACMG Guidelines, 2015. Collection method: clinical testing. Allele origin: germline.

NM_006939.4(SOS2):c.3774G>A (p.Ser1258=)

Gene: SOS2 (SOS Ras/Rho guanine nucleotide exchange factor 2; minus strand). Cytogenetic location: 14q21.3.
Variant type: single nucleotide variant.
Coding change: c.3774G>A on transcript NM_006939.4 (MANE Select); coding-DNA position 3774, G replaced by A.
Protein change: p.Ser1258=; no amino-acid change (serine 1258 retained).
Molecular consequence: synonymous variant.
Genome position (GRCh38, 1-based): chr14:50,118,569, C>T on the plus strand (G>A on the coding strand, the complement: SOS2 is on the minus strand). VCF-style: chr14-50118569-C-T. GRCh37 (hg19) VCF-style: chr14-50585287-C-T.
Identifiers: ClinVar variation 717994 (VCV000717994.34), dbSNP rs747521589, ClinGen allele CA7176707.